The following is an entry in ClinVar:

NM_003743.5(NCOA1):c.2619G>A (p.Leu873=)

Gene: NCOA1 (nuclear receptor coactivator 1; plus strand). Cytogenetic location: 2p23.3.
Variant type: single nucleotide variant.
Coding change: c.2619G>A on transcript NM_003743.5 (MANE Select); coding-DNA position 2619, G replaced by A.
Protein change: p.Leu873=; no amino-acid change (leucine 873 retained).
Molecular consequence: synonymous variant.
Genome position (GRCh38, 1-based): chr2:24,726,608, G>A. VCF-style: chr2-24726608-G-A. GRCh37 (hg19) VCF-style: chr2-24949477-G-A.
Other names: c.2619G>A, p.Leu873= (NM_001362950.1, NM_001362952.1, NM_001362954.1 and 3 more transcripts).
Identifiers: ClinVar variation 4987245 (VCV004987245.1).

ClinVar aggregate classification (germline): Likely benign (1 of 4 stars; one submission).

Conditions:
NCOA1-related disorder. Also called: NCOA1-related condition.

gnomAD v4.1: 4 of 1,608,370 alleles (0.00025%); highest among the groups gnomAD compares: African/African-American, 0.0027%; no homozygotes.

Submission:

PreventionGenetics, part of Exact Sciences
Classification: Likely benign for NCOA1-related condition. Last evaluated: 2025-03-29. Review status: criteria provided, single submitter. Criteria: ACMG Guidelines, 2015. Collection method: clinical testing. Allele origin: germline.
Comment: This variant is classified as likely benign based on ACMG/AMP sequence variant interpretation guidelines (Richards et al. 2015 PMID: 25741868, with internal and published modifications).